The following is an entry in ClinVar:

ClinVar aggregate classification (germline): Conflicting classifications of pathogenicity. Review status: criteria provided, conflicting classifications (1 of 4 stars). 5 submissions from 5 submitters: Pathogenic (1); Likely pathogenic (3); Uncertain significance (1). Last evaluated 2025-12-13.

Conditions:
Hereditary cancer-predisposing syndrome. Also called: Hereditary Cancer Syndrome; Tumor predisposition; Neoplastic Syndromes, Hereditary; Hereditary neoplastic syndrome. Identifiers: Orphanet 140162, MedGen C0027672, MeSH D009386, MONDO:0015356.
Familial cancer of breast. Also called: hereditary breast carcinoma; BREAST CANCER, FAMILIAL; Hereditary breast cancer. Identifiers: Orphanet 227535, MedGen C0346153, MONDO:0016419, OMIM 114480. Disease mechanism: loss of function.
Ataxia-telangiectasia syndrome (AT). Also called: LOUIS-BAR SYNDROME; Cerebello-oculocutaneous telangiectasia; Immunodeficiency with ataxia telangiectasia; Ataxia-telangiectasia, complementation group E; Ataxia-telangiectasia; Ataxia-telangiectasia, complementation group D. Identifiers: Orphanet 100, MedGen C0004135, MONDO:0008840, OMIM 208900.
Autosomal dominant cancer predisposition.

Submissions (5):

Labcorp Genetics (formerly Invitae), Labcorp
Classification: Uncertain significance for Ataxia-telangiectasia syndrome. Last evaluated: 2025-12-13. Review status: criteria provided, single submitter. Criteria: Invitae Variant Classification Sherloc (09022015). Collection method: clinical testing. Allele origin: germline.
Comment: This sequence change falls in intron 5 of the ATM gene. It does not directly change the encoded amino acid sequence of the ATM protein. RNA analysis indicates that this variant induces altered splicing and may result in an absent or altered protein product. This variant is not present in population databases (gnomAD no frequency). This variant has not been reported in the literature in individuals affected with ATM-related conditions. ClinVar contains an entry for this variant (Variation ID: 825336). Studies have shown that this variant results in activation of a cryptic splice site, and produces a non-functional protein and/or introduces a premature termination codon (PMID: 36008414). In summary, the available evidence is currently insufficient to determine the role of this variant in disease. Therefore, it has been classified as a Variant of Uncertain Significance.

Variantyx, Inc.
Classification: Likely pathogenic for Autosomal dominant cancer predisposition. Last evaluated: 2025-11-14. Review status: criteria provided, single submitter. Criteria: Variantyx Assertion Criteria 2022. Collection method: clinical testing. Allele origin: germline. Inheritance: Autosomal dominant inheritance. Affected: yes.
Comment: This is an intronic variant in the ATM gene (OMIM: 607585). Pathogenic variants in this gene have been associated with autosomal dominant hereditary cancer predisposition. This variant results in intron retention through activation of a cryptic splice site, and is expected to result in loss of function from nonsense-mediated mRNA decay, which is a known disease mechanism for ATM in this disorder (PMID: 36008414) (PVS1). This variant is absent from control populations (PM2). Algorithms that predict the potential impact of sequence variants on RNA splicing suggest that this variant has conflicting evidence regarding the effect on splicing. Based on the current evidence, this variant is classified as likely pathogenic for autosomal dominant hereditary cancer predisposition.

Department of Clinical Genetics, Copenhagen University Hospital, Rigshospitalet
Classification: Likely pathogenic for Familial cancer of breast; Ataxia-telangiectasia syndrome. Last evaluated: 2025-02-04. Review status: criteria provided, single submitter. Criteria: ACMG Guidelines, 2015. Collection method: clinical testing. Allele origin: germline.
Comment: PVS1 (RNA); PM2_SUP

Color Diagnostics, LLC DBA Color Health
Classification: Likely pathogenic for Hereditary cancer-predisposing syndrome. Last evaluated: 2023-08-24. Review status: criteria provided, single submitter. Criteria: ACMG Guidelines, 2015. Collection method: clinical testing. Allele origin: germline.
Comment: This variant causes an A to G nucleotide substitution at the -2661 position of intron 5 of the ATM gene. The variant creates a de novo splice acceptor site deep within intron 5. Splice site prediction tools predict that this variant may have a significant impact on RNA splicing. Functional RNA studies have shown that this variant causes the inclusion of a new 46 basepair exon in the transcript between exon 5 and 6 (r.496_497ins497-2656_497-2611; PMID: 36008414). Inclusion of this exon is predicted to result in premature protein truncation and non-sense mediated mRNA decay. This variant has not been reported in individuals affected with ATM-related disorders in the literature. This variant has not been identified in the general population by the Genome Aggregation Database (gnomAD). Loss of ATM function is a known mechanism of disease. Based on the available evidence, this variant is classified as Likely Pathogenic.

Ambry Genetics
Classification: Pathogenic for Hereditary cancer-predisposing syndrome. Last evaluated: 2023-01-05. Review status: criteria provided, single submitter. Criteria: Ambry Variant Classification Scheme 2023. Collection method: clinical testing. Allele origin: germline.
Comment: The c.497-2661A>G pathogenic mutation results from an A to G substitution 2661 nucleotides upstream from coding exon 5 in the ATM gene. This nucleotide position is conserved on limited sequence alignment. In silico splice site analysis predicts that this alteration will result in the creation or strengthening of a novel splice donor site and will result in the creation or strengthening of a novel splice acceptor site. RNA studies have demonstrated that this alteration results in abnormal splicing in the set of samples tested (Ambry internal data). Based on the supporting evidence, this alteration is interpreted as a disease-causing mutation.

Literature cited by the submitters: PubMed 36008414 (cited by 3 submitters).

NM_000051.4(ATM):c.497-2661A>G

Gene: ATM (ATM serine/threonine kinase; plus strand). Cytogenetic location: 11q22.3.
Variant type: single nucleotide variant.
Coding change: c.497-2661A>G on transcript NM_000051.4 (MANE Select); 2661 bases into the intron before coding-DNA position 497, A replaced by G.
Molecular consequence: intron variant.
Genome position (GRCh38, 1-based): chr11:108,241,292, A>G. VCF-style: chr11-108241292-A-G. GRCh37 (hg19) VCF-style: chr11-108112019-A-G.
Other names: c.497-2661A>G (NM_001351834.2).
Identifiers: ClinVar variation 825336 (VCV000825336.11), dbSNP rs1591491477, ClinGen allele CA915947714.
Genomic context (GRCh38, chr11:108,241,292, plus strand): 5'-AATACCTCCTAAAGGACCTACCTGAGACTGTTTTACTGTTTTGTTTTGTTTTGTTTTTTA[A>G]GAAGAAGAAGGAGGAATATAGTATAAAATGGTGATAAAAAGCATAGTAGAGTAAGTACAT-3'